The following is an entry in ClinVar:

NM_003001.5(SDHC):c.259A>G (p.Met87Val)

Gene: SDHC (succinate dehydrogenase complex subunit C; plus strand). Cytogenetic location: 1q23.3.
Variant type: single nucleotide variant.
Coding change: c.259A>G on transcript NM_003001.5 (MANE Select); coding-DNA position 259, A replaced by G.
Protein change: p.Met87Val; replaces methionine 87 with valine.
Molecular consequence: missense variant. On other transcripts: non-coding transcript variant (1), intron variant (3).
Genome position (GRCh38, 1-based): chr1:161,356,694, A>G. VCF-style: chr1-161356694-A-G. GRCh37 (hg19) VCF-style: chr1-161326484-A-G.
Other names: c.157A>G, p.Met53Val (NM_001035512.3); c.100A>G, p.Met34Val (NM_001035513.3); c.379A>G, p.Met127Val (NM_001407115.1); c.202A>G, p.Met68Val (NM_001407116.1); c.196A>G, p.Met66Val (NM_001407117.1); c.151A>G, p.Met51Val (NM_001407118.1); c.148A>G, p.Met50Val (NM_001407119.1, NM_001407120.1); c.242-5635A>G (NM_001035511.3); and 2 more; short protein forms M34V, M53V, M87V, M127V, M68V, M51V, M50V, M66V.
Identifiers: ClinVar variation 645715 (VCV000645715.9), dbSNP rs756382502, ClinGen allele CA343456264.
Genomic context (GRCh38, chr1:161,356,694, plus strand): 5'-AACTTATGAGCAGCTGTGACAAGCTACTTGGTTTTCTCCTCAGGGGTCTCTCTTTTTGGC[A>G]TGTCGGCCCTGTTACTCCCTGGGAACTTTGAGTCTTATTTGGAACTTGTGAAGTCCCTGT-3'
Protein context (NP_002992.1, residues 77-97): ALSAGVSLFG[Met87Val]SALLLPGNFE

ClinVar aggregate classification (germline): Uncertain significance. Review status: criteria provided, multiple submitters, no conflicts (2 of 4 stars). 3 submissions from 3 submitters: Uncertain significance (3). Last evaluated 2024-12-09.

Conditions:
Hereditary cancer-predisposing syndrome. Also called: Hereditary Cancer Syndrome; Tumor predisposition; Neoplastic Syndromes, Hereditary; Hereditary neoplastic syndrome. Identifiers: Orphanet 140162, MedGen C0027672, MeSH D009386, MONDO:0015356.
Hereditary pheochromocytoma and paraganglioma. Also called: Hereditary paragangliomas and pheochromocytomas; Hereditary Paraganglioma-Pheochromocytoma Syndromes; Hereditary pheochromocytoma-paraganglioma. Identifiers: Orphanet 29072, MedGen C4274332, MONDO:0017366.
Gastrointestinal stromal tumor. Also called: Gastrointestinal stromal tumor, somatic; Gastrointestinal stroma tumor. Identifiers: Orphanet 44890, MedGen C0238198, MeSH D046152, MONDO:0011719, OMIM 606764, HP:0100723.
Pheochromocytoma/paraganglioma syndrome 3. Also called: SDHC-Related Hereditary Paraganglioma-Pheochromocytoma Syndrome (Paragangliomas 3); SDHC-Related Hereditary Paraganglioma-Pheochromocytoma Syndrome; Paragangliomas 3; GLOMUS TUMORS, FAMILIAL, 3. Identifiers: Orphanet 29072, MedGen C1854336, MONDO:0011544, OMIM 605373.

Submissions (3):

Ambry Genetics
Classification: Uncertain significance for Hereditary cancer-predisposing syndrome. Last evaluated: 2024-12-09. Review status: criteria provided, single submitter. Criteria: Ambry Variant Classification Scheme 2023. Collection method: clinical testing. Allele origin: germline.
Comment: The p.M87V variant (also known as c.259A>G), located in coding exon 5 of the SDHC gene, results from an A to G substitution at nucleotide position 259. The methionine at codon 87 is replaced by valine, an amino acid with highly similar properties. This amino acid position is poorly conserved in available vertebrate species. In addition, this alteration is predicted to be tolerated by in silico analysis. Based on the available evidence, the clinical significance of this variant remains unclear.

Labcorp Genetics (formerly Invitae), Labcorp
Classification: Uncertain significance for Pheochromocytoma/paraganglioma syndrome 3; Gastrointestinal stromal tumor. Last evaluated: 2024-11-11. Review status: criteria provided, single submitter. Criteria: Invitae Variant Classification Sherloc (09022015). Collection method: clinical testing. Allele origin: germline.
Comment: This sequence change replaces methionine, which is neutral and non-polar, with valine, which is neutral and non-polar, at codon 87 of the SDHC protein (p.Met87Val). This variant is not present in population databases (gnomAD no frequency). This variant has not been reported in the literature in individuals affected with SDHC-related conditions. ClinVar contains an entry for this variant (Variation ID: 645715). An algorithm developed to predict the effect of missense changes on protein structure and function outputs the following: PolyPhen-2: "Benign". The valine amino acid residue is found in multiple mammalian species, which suggests that this missense change does not adversely affect protein function. In summary, the available evidence is currently insufficient to determine the role of this variant in disease. Therefore, it has been classified as a Variant of Uncertain Significance.

All of Us Research Program, National Institutes of Health
Classification: Uncertain significance for Hereditary pheochromocytoma and paraganglioma. Last evaluated: 2023-04-10. Review status: criteria provided, single submitter. Criteria: ACMG Guidelines, 2015. Collection method: clinical testing. Allele origin: germline. Inheritance: Autosomal dominant inheritance. Observed: 1 variant allele, 1 heterozygote.
Comment: This missense variant replaces methionine with valine at codon 87 of the SDHC protein. Computational prediction suggests that this variant may not impact protein structure and function (internally defined REVEL score threshold <= 0.5, PMID: 27666373). To our knowledge, functional studies have not been reported for this variant. This variant has not been reported in individuals affected with SDHC-related disorders in the literature. This variant has not been identified in the general population by the Genome Aggregation Database (gnomAD). The available evidence is insufficient to determine the role of this variant in disease conclusively. Therefore, this variant is classified as a Variant of Uncertain Significance.

This study involves interpretation of variants in research participants for the purpose of population health screening. Participant phenotype was not available at the time of variant classification. Additional details can be found in publication PMID: 35346344, PMCID: PMC8962531